The following is an entry in ClinVar:

NM_177438.3(DICER1):c.1867_2257-215del

Gene: DICER1 (dicer 1, ribonuclease III; minus strand). Cytogenetic location: 14q32.13.
Variant type: Deletion.
Coding change: c.1867_2257-215del on transcript NM_177438.3 (MANE Select); coding-DNA position 1867 through 215 bases into the intron before coding-DNA position 2257, 6,990 bases deleted.
Molecular consequence: splice acceptor variant, splice donor variant.
Genome position (GRCh38, 1-based): chr14:95,108,718-95,115,707, 6,990 bases deleted. GRCh37 (hg19): chr14:95,575,057-95,582,046.
Other names: c.1867_2257-215del (NM_001271282.3, NM_001195573.1, NM_001291628.2 and 1 more transcripts).
Identifiers: ClinVar variation 951320 (VCV000951320.2), ClinGen allele CA1139663663.

ClinVar aggregate classification (germline): Pathogenic (1 of 4 stars; one submission).

Conditions:
DICER1-related tumor predisposition. Also called: DICER1 syndrome; DICER1-related pleuropulmonary blastoma cancer predisposition syndrome. Identifiers: Orphanet 284343, MedGen C3839822, MONDO:0100216.

Submission:

Labcorp Genetics (formerly Invitae), Labcorp
Classification: Pathogenic for DICER1-related tumor predisposition. Last evaluated: 2019-08-09. Review status: criteria provided, single submitter. Criteria: Invitae Variant Classification Sherloc (09022015). Collection method: clinical testing. Allele origin: germline.
Comment: This sequence change is a complex rearrangement involving deletion of the genomic region encompassing exons 12-14 and part of exon 11 and replacement with a large insertion, part of which is duplicated from intron 21. This is expected to result in an absent or disrupted protein product. This variant has not been reported in the literature in individuals with DICER1-related conditions. This variant disrupts the DUF283 domain of the DICER1 protein, which interacts with the ADAR1 protein and which may be involved in the recruitment and processing of dsRNA substrates (PMID: 22187960, 23622242, 29706542). While functional studies have not been performed to directly test the effect of this variant on DICER1 protein function, this suggests that disruption of this region of the protein is causative of disease. Loss-of-function variants in DICER1 are known to be pathogenic (PMID: 19556464, 21266384). For these reasons, this variant has been classified as Pathogenic.

Literature cited by the submitters: PubMed 23622242; PubMed 22187960; PubMed 29706542.